The following is an entry in ClinVar:

NM_001111.5(ADAR):c.832C>T (p.Pro278Ser)

Gene: ADAR (adenosine deaminase RNA specific; minus strand). Cytogenetic location: 1q21.3.
Variant type: single nucleotide variant.
Coding change: c.832C>T on transcript NM_001111.5 (MANE Select); coding-DNA position 832, C replaced by T.
Protein change: p.Pro278Ser; replaces proline 278 with serine.
Molecular consequence: missense variant. On other transcripts: 5 prime UTR variant (6).
Genome position (GRCh38, 1-based): chr1:154,601,810, G>A on the plus strand (C>T on the coding strand, the complement: ADAR is on the minus strand). VCF-style: chr1-154601810-G-A. GRCh37 (hg19) VCF-style: chr1-154574286-G-A.
Other names: c.-54C>T (NM_001025107.3, NM_001193495.2, NM_001365046.1 and 3 more transcripts); c.859C>T, p.Pro287Ser (NM_001365045.1); c.832C>T, p.Pro278Ser (NM_015840.4, NM_015841.4); short protein forms P287S, P278S.
Identifiers: ClinVar variation 4790587 (VCV004790587.1).

ClinVar aggregate classification (germline): Uncertain significance (1 of 4 stars; one submission).

Conditions:
Aicardi-Goutieres syndrome 6 (AGS6). Identifiers: Orphanet 51, MedGen C3539013, MONDO:0014007, OMIM 615010.
Symmetrical dyschromatosis of extremities (DSH). Also called: DYSCHROMATOSIS SYMMETRICA HEREDITARIA 1; RETICULATE ACROPIGMENTATION OF DOHI; SYMMETRIC DYSCHROMATOSIS OF THE EXTREMITIES; Dyschromatosis symmetrica hereditaria. Identifiers: Orphanet 41, MedGen C0406775, MONDO:0007483, OMIM 127400.

gnomAD v4.1: 8 of 1,614,086 alleles (0.0005%); highest among the groups gnomAD compares: African/African-American, 0.0013%; no homozygotes.

Submission:

Labcorp Genetics (formerly Invitae), Labcorp
Classification: Uncertain significance for Aicardi-Goutieres syndrome 6; Symmetrical dyschromatosis of extremities. Last evaluated: 2025-09-03. Review status: criteria provided, single submitter. Criteria: Invitae Variant Classification Sherloc (09022015). Collection method: clinical testing. Allele origin: germline.
Comment: This sequence change replaces proline, which is neutral and non-polar, with serine, which is neutral and polar, at codon 278 of the ADAR protein (p.Pro278Ser). This variant is present in population databases (no rsID available, gnomAD 0.0009%). This variant has not been reported in the literature in individuals affected with ADAR-related conditions. An algorithm developed to predict the effect of missense changes on protein structure and function outputs the following: PolyPhen-2: "Benign". The serine amino acid residue is found in multiple mammalian species, which suggests that this missense change does not adversely affect protein function. In summary, the available evidence is currently insufficient to determine the role of this variant in disease. Therefore, it has been classified as a Variant of Uncertain Significance.